The following is an entry in ClinVar:

ClinVar aggregate classification (germline): Uncertain significance (1 of 4 stars; one submission).

Conditions:
Cardiovascular phenotype. Identifiers: MedGen CN230736.

Submission:

Ambry Genetics
Classification: Uncertain significance for Cardiovascular phenotype. Last evaluated: 2025-07-16. Review status: criteria provided, single submitter. Criteria: Ambry Variant Classification Scheme 2023. Collection method: clinical testing. Allele origin: germline.
Comment: The p.V279A variant (also known as c.836T>C), located in coding exon 4 of the KCNH2 gene, results from a T to C substitution at nucleotide position 836. The valine at codon 279 is replaced by alanine, an amino acid with similar properties. This amino acid position is well conserved in available vertebrate species. In addition, this alteration is predicted to be deleterious by in silico analysis. Based on the available evidence, the clinical significance of this variant remains unclear.

NM_000238.4(KCNH2):c.836T>C (p.Val279Ala)

Gene: KCNH2 (potassium voltage-gated channel subfamily H member 2; minus strand). Cytogenetic location: 7q36.1.
Variant type: single nucleotide variant.
Coding change: c.836T>C on transcript NM_000238.4 (MANE Select); coding-DNA position 836, T replaced by C.
Protein change: p.Val279Ala; replaces valine 279 with alanine.
Molecular consequence: missense variant. On other transcripts: non-coding transcript variant (1).
Genome position (GRCh38, 1-based): chr7:150,958,139, A>G on the plus strand (T>C on the coding strand, the complement: KCNH2 is on the minus strand). VCF-style: chr7-150958139-A-G. GRCh37 (hg19) VCF-style: chr7-150655227-A-G.
Other names: c.548T>C, p.Val183Ala (NM_001406753.1, NM_001406756.1); c.659T>C, p.Val220Ala (NM_001406755.1); c.536T>C, p.Val179Ala (NM_001406757.1); c.836T>C, p.Val279Ala (NM_172056.3); short protein forms V183A, V179A, V220A, V279A.
Identifiers: ClinVar variation 4090319 (VCV004090319.1).